The following is an entry in ClinVar:

ClinVar aggregate classification (germline): Uncertain significance. Review status: criteria provided, multiple submitters, no conflicts (2 of 4 stars). 2 submissions from 2 submitters: Uncertain significance (2). Last evaluated 2025-12-24.

Conditions:
Neurofibromatosis, type 1 (NF1). Also called: VON RECKLINGHAUSEN DISEASE; NEUROFIBROMATOSIS, TYPE I, SOMATIC; Peripheral type neurofibromatosis; Neurofibromatosis, type I. Identifiers: Orphanet 636, MedGen C0027831, MONDO:0018975, OMIM 162200. Disease mechanism: loss of function.

Submissions (2):

Labcorp Genetics (formerly Invitae), Labcorp
Classification: Uncertain significance for Neurofibromatosis, type 1. Last evaluated: 2025-12-24. Review status: criteria provided, single submitter. Criteria: Invitae Variant Classification Sherloc (09022015). Collection method: clinical testing. Allele origin: germline.
Comment: This sequence change replaces glutamine, which is neutral and polar, with glutamic acid, which is acidic and polar, at codon 2702 of the NF1 protein (p.Gln2702Glu). This variant is not present in population databases (gnomAD no frequency). This variant has not been reported in the literature in individuals affected with NF1-related conditions. Invitae Evidence Modeling of protein sequence and biophysical properties (such as structural, functional, and spatial information, amino acid conservation, physicochemical variation, residue mobility, and thermodynamic stability) indicates that this missense variant is not expected to disrupt NF1 protein function with a negative predictive value of 95%. In summary, the available evidence is currently insufficient to determine the role of this variant in disease. Therefore, it has been classified as a Variant of Uncertain Significance.

Dasa
Classification: Uncertain significance. Last evaluated: 2025-07-29. Review status: criteria provided, single submitter. Criteria: DASA Assertion Criteria. Collection method: clinical testing. Allele origin: germline.
Comment: NM_001042492.3(NF1):c.8167C>G (p.Gln2723Glu) is a missense variant that results in the substitution of glutamine with glutamic acid. This variant is absent from population databases. Computational prediction algorithms are consistent with a benign effect. The currently available literature and clinical evidence are not sufficient to establish a definitive association between this variant and the reported condition. Therefore, this variant is classified as a variant of uncertain significance.

NM_001042492.3(NF1):c.8167C>G (p.Gln2723Glu)

Gene: NF1 (neurofibromin 1; plus strand). Cytogenetic location: 17q11.2.
Variant type: single nucleotide variant.
Coding change: c.8167C>G on transcript NM_001042492.3 (MANE Select); coding-DNA position 8167, C replaced by G.
Protein change: p.Gln2723Glu; replaces glutamine 2723 with glutamic acid.
Molecular consequence: missense variant.
Genome position (GRCh38, 1-based): chr17:31,360,493, C>G. VCF-style: chr17-31360493-C-G. GRCh37 (hg19) VCF-style: chr17-29687511-C-G.
Other names: c.8104C>G, p.Gln2702Glu (NM_000267.4); short protein forms Q2702E, Q2723E.
Identifiers: ClinVar variation 4800812 (VCV004800812.3).
Genomic context (GRCh38, chr17:31,360,493, plus strand): 5'-TGGGGATTTACTTAAAAAAAAGGAACTAAAATAATTTCCTATTTTCCATTACAGCAAACA[C>G]AAATTCCAGACTATGCTGAGCTTATTGTTAAGTTTCTTGATGCCTTGATTGACACGTACC-3'
Protein context (NP_001035957.1, residues 2713-2733): RFAGPFSKQT[Gln2723Glu]IPDYAELIVK